The following is an entry in ClinVar:

ClinVar aggregate classification (germline): Uncertain significance (1 of 4 stars; one submission).

Submission:

GeneDx
Classification: Uncertain significance. Last evaluated: 2025-12-16. Review status: criteria provided, single submitter. Criteria: GeneDx Variant Classification Process June 2021. Collection method: clinical testing. Allele origin: germline. Affected: yes.
Comment: Not observed at significant frequency in large population cohorts (gnomAD); In silico analysis supports that this missense variant has a deleterious effect on protein structure/function; Has not been previously published as pathogenic or benign to our knowledge

NM_000719.7(CACNA1C):c.3931T>C (p.Cys1311Arg)

Gene: CACNA1C (calcium voltage-gated channel subunit alpha1 C; plus strand). Cytogenetic location: 12p13.33.
Variant type: single nucleotide variant.
Coding change: c.3931T>C on transcript NM_000719.7 (MANE Select); coding-DNA position 3931, T replaced by C.
Protein change: p.Cys1311Arg; replaces cysteine 1311 with arginine.
Molecular consequence: missense variant. On other transcripts: intron variant (6).
Genome position (GRCh38, 1-based): chr12:2,648,493, T>C. VCF-style: chr12-2648493-T-C. GRCh37 (hg19) VCF-style: chr12-2757659-T-C.
Other names: c.3931T>C, p.Cys1311Arg (NM_001129835.2, NM_001129840.2, NM_001129841.2 and 8 more transcripts); c.3922T>C, p.Cys1308Arg (NM_001129844.2); c.4075T>C, p.Cys1359Arg (NM_199460.4, NM_001129827.2); c.3913-3147T>C (NM_001167625.2, NM_001129837.2, NM_001129838.2 and 1 more transcripts); c.3907-3147T>C (NM_001129839.2); c.3997-3147T>C (NM_001129836.2); c.4015T>C, p.Cys1339Arg (NM_001129831.2); c.3991T>C, p.Cys1331Arg (NM_001129832.2); short protein forms C1308R, C1311R, C1331R, C1339R, C1359R.
Identifiers: ClinVar variation 3373182 (VCV003373182.2).